The following is an entry in ClinVar:

ClinVar aggregate classification (germline): Uncertain significance. Review status: criteria provided, multiple submitters, no conflicts (2 of 4 stars). 5 submissions from 5 submitters: Uncertain significance (5). Last evaluated 2026-08-28.

Conditions:
Pheochromocytoma/paraganglioma syndrome 5. Also called: SDHA-Related Hereditary Paraganglioma-Pheochromocytoma Syndrome; Paragangliomas 5. Identifiers: Orphanet 29072, MedGen C3279992, MONDO:0013602, OMIM 614165.
Mitochondrial complex II deficiency, nuclear type 1. Also called: SUCCINATE CoQ REDUCTASE DEFICIENCY. Identifiers: Orphanet 3208, MedGen C5700310, MONDO:0100294, OMIM 252011.
Hereditary cancer-predisposing syndrome. Also called: Hereditary neoplastic syndrome; Neoplastic Syndromes, Hereditary; Hereditary Cancer Syndrome; Tumor predisposition. Identifiers: Orphanet 140162, MedGen C0027672, MeSH D009386, MONDO:0015356.
Dilated cardiomyopathy 1GG (CMD1GG). Identifiers: Orphanet 154, MedGen C3150898, MONDO:0013339, OMIM 613642.

Allele frequency attached by ClinVar (database versions not stated): gnomAD exomes 0.00001 and 0.00003; ExAC 0.00002; gnomAD 0.00002; TOPMed 0.00002.
gnomAD v4.1: 43 of 1,613,836 alleles (0.0027%); highest among the groups gnomAD compares: African/African-American, 0.004%; no homozygotes.

Submissions (5):

GeneDx
Classification: Uncertain significance. Last evaluated: 2026-08-28. Review status: criteria provided, single submitter. Criteria: GeneDx Variant Classification Process June 2021. Collection method: clinical testing. Allele origin: germline.
Comment: Not observed at significant frequency in large population cohorts (gnomAD); In silico analysis supports that this missense variant has a deleterious effect on protein structure/function; Has not been previously published as pathogenic or benign to our knowledge

Labcorp Genetics (formerly Invitae), Labcorp
Classification: Uncertain significance for Pheochromocytoma/paraganglioma syndrome 5; Mitochondrial complex II deficiency, nuclear type 1. Last evaluated: 2025-10-31. Review status: criteria provided, single submitter. Criteria: Invitae Variant Classification Sherloc (09022015). Collection method: clinical testing. Allele origin: germline.
Comment: This sequence change replaces arginine, which is basic and polar, with histidine, which is basic and polar, at codon 379 of the SDHA protein (p.Arg379His). This variant is present in population databases (rs770719847, gnomAD 0.007%). This variant has not been reported in the literature in individuals affected with SDHA-related conditions. ClinVar contains an entry for this variant (Variation ID: 412343). Invitae Evidence Modeling of protein sequence and biophysical properties (such as structural, functional, and spatial information, amino acid conservation, physicochemical variation, residue mobility, and thermodynamic stability) indicates that this missense variant is not expected to disrupt SDHA protein function with a negative predictive value of 95%. In summary, the available evidence is currently insufficient to determine the role of this variant in disease. Therefore, it has been classified as a Variant of Uncertain Significance.

Ambry Genetics
Classification: Uncertain significance for Hereditary cancer-predisposing syndrome. Last evaluated: 2024-11-26. Review status: criteria provided, single submitter. Criteria: Ambry Variant Classification Scheme 2023. Collection method: clinical testing. Allele origin: germline.
Comment: The p.R379H variant (also known as c.1136G>A), located in coding exon 9 of the SDHA gene, results from a G to A substitution at nucleotide position 1136. The arginine at codon 379 is replaced by histidine, an amino acid with highly similar properties. This amino acid position is highly conserved in available vertebrate species. In addition, the in silico prediction for this alteration is inconclusive. Based on the available evidence, the clinical significance of this variant remains unclear.

Baylor Genetics
Classification: Uncertain significance for Dilated cardiomyopathy 1GG. Last evaluated: 2024-01-01. Review status: criteria provided, single submitter. Criteria: ACMG Guidelines, 2015. Collection method: clinical testing. Allele origin: unknown.

St. Jude Molecular Pathology, St. Jude Children's Research Hospital
Classification: Uncertain significance for Pheochromocytoma/paraganglioma syndrome 5. Last evaluated: 2022-04-06. Review status: criteria provided, single submitter. Criteria: St. Jude Assertion Criteria 2020. Collection method: clinical testing. Allele origin: germline.
Comment: The SDHA c.1136G>A (p.Arg379His) missense change has a maximum subpopulation frequency of 0.0062% in gnomAD v2.1.1. In silico tools predict a deleterious effect of this variant on protein function (PP3), but to our knowledge these predictions have not been confirmed by functional assays. To our knowledge, this variant has not been reported in individuals with hereditary paraganglioma-pheochromocytoma. In summary, this variant meets criteria to be classified as of uncertain significance based on the ACMG/AMP criteria: PP3.

NM_004168.4(SDHA):c.1136G>A (p.Arg379His)

Gene: SDHA (succinate dehydrogenase complex flavoprotein subunit A; plus strand). Cytogenetic location: 5p15.33.
Variant type: single nucleotide variant.
Coding change: c.1136G>A on transcript NM_004168.4 (MANE Select); coding-DNA position 1136, G replaced by A.
Protein change: p.Arg379His; replaces arginine 379 with histidine.
Molecular consequence: missense variant.
Genome position (GRCh38, 1-based): chr5:235,215, G>A. VCF-style: chr5-235215-G-A. GRCh37 (hg19) VCF-style: chr5-235330-G-A.
Other names: c.992G>A, p.Arg331His (NM_001294332.2); c.1136G>A, p.Arg379His (NM_001330758.2); short protein forms R379H, R331H.
Identifiers: ClinVar variation 412343 (VCV000412343.21), dbSNP rs770719847, ClinGen allele CA3173117.
Genomic context (GRCh38, chr5:235,215, plus strand): 5'-CTGAGAAAGATCACGTCTACCTGCAGCTGCACCACCTACCTCCAGAGCAGCTGGCCACGC[G>A]CCTGCCTGGCATTTCAGAGACAGCCATGATCTTCGCTGGCGTGGACGTCACGAAGGAGCC-3'
Protein context (NP_004159.2, residues 369-389): HHLPPEQLAT[Arg379His]LPGISETAMI